The following is an entry in ClinVar:

ClinVar aggregate classification (germline): Uncertain significance. Review status: criteria provided, multiple submitters, no conflicts (2 of 4 stars). 2 submissions from 2 submitters: Uncertain significance (2). Last evaluated 2025-10-29.

Conditions:
KRT1-related disorder. Also called: KRT1-related condition.
Inborn genetic diseases. Identifiers: MedGen C0950123, MeSH D030342.

Allele frequency attached by ClinVar (database versions not stated): gnomAD exomes 0.00002; TOPMed 0.00005; ExAC 0.00006; gnomAD 0.00006; ESP Exome Variant Server 0.00008.
gnomAD v4.1: 40 of 1,614,026 alleles (0.0025%); highest among the groups gnomAD compares: South Asian, 0.0077%; no homozygotes.

Submissions (2):

PreventionGenetics, part of Exact Sciences
Classification: Uncertain significance for KRT1-related condition. Last evaluated: 2025-10-29. Review status: criteria provided, single submitter. Criteria: ACMG Guidelines, 2015. Collection method: clinical testing. Allele origin: germline.
Comment: The KRT1 c.497A>G variant is predicted to result in the amino acid substitution p.Asn166Ser. To our knowledge, this variant has not been reported in the literature. This variant is reported in 0.0098% of alleles in individuals of South Asian descent in gnomAD. At this time, the clinical significance of this variant is uncertain due to the absence of conclusive functional and genetic evidence.

Ambry Genetics
Classification: Uncertain significance for Inborn genetic diseases. Last evaluated: 2023-08-15. Review status: criteria provided, single submitter. Criteria: Ambry Variant Classification Scheme 2023. Collection method: clinical testing. Allele origin: germline.

NM_006121.4(KRT1):c.497A>G (p.Asn166Ser)

Gene: KRT1 (keratin 1; minus strand). Cytogenetic location: 12q13.13.
Variant type: single nucleotide variant.
Coding change: c.497A>G on transcript NM_006121.4 (MANE Select); coding-DNA position 497, A replaced by G.
Protein change: p.Asn166Ser; replaces asparagine 166 with serine.
Molecular consequence: missense variant.
Genome position (GRCh38, 1-based): chr12:52,679,852, T>C on the plus strand (A>G on the coding strand, the complement: KRT1 is on the minus strand). VCF-style: chr12-52679852-T-C. GRCh37 (hg19) VCF-style: chr12-53073636-T-C.
Other names: short protein forms N166S.
Identifiers: ClinVar variation 2602562 (VCV002602562.3), dbSNP rs148526002, ClinGen allele CA6586427.